The following is an entry in ClinVar:

NM_003764.4(STX11):c.385C>T (p.Arg129Trp)

Gene: STX11 (syntaxin 11; plus strand). Cytogenetic location: 6q24.2.
Variant type: single nucleotide variant.
Coding change: c.385C>T on transcript NM_003764.4 (MANE Select); coding-DNA position 385, C replaced by T.
Protein change: p.Arg129Trp; replaces arginine 129 with tryptophan.
Molecular consequence: missense variant.
Genome position (GRCh38, 1-based): chr6:144,187,012, C>T. VCF-style: chr6-144187012-C-T. GRCh37 (hg19) VCF-style: chr6-144508149-C-T.
Other names: short protein forms R129W.
Identifiers: ClinVar variation 2190400 (VCV002190400.3), dbSNP rs369572255, ClinGen allele CA4031694.
Genomic context (GRCh38, chr6:144,187,012, plus strand): 5'-GAGCTGAGCGAGGCGGCTGAGGCCCAGCACGGCCCGCACTCGGCAGTGGCGCGCATTTCG[C>T]GGGCGCAGTACAACGCGCTCACCCTCACCTTCCAGCGCGCCATGCACGACTACAACCAGG-3'
Protein context (NP_003755.2, residues 119-139): GPHSAVARIS[Arg129Trp]AQYNALTLTF

ClinVar aggregate classification (germline): Uncertain significance (1 of 4 stars; one submission).

Conditions:
Familial hemophagocytic lymphohistiocytosis 4 (FHL4). Also called: STX11-Related Familial Hemophagocytic Lymphohistiocytosis (STX11-fHLH). Identifiers: Orphanet 540, MedGen C1863728, MONDO:0011336, OMIM 603552.

Allele frequency attached by ClinVar (database versions not stated): gnomAD exomes 0.00001; ExAC 0.00002; gnomAD 0.00004; TOPMed 0.00006; ESP Exome Variant Server 0.00008.
gnomAD v4.1: 16 of 1,611,112 alleles (0.00099%); highest among the groups gnomAD compares: African/African-American, 0.013%; no homozygotes.

Submission:

Labcorp Genetics (formerly Invitae), Labcorp
Classification: Uncertain significance for Familial hemophagocytic lymphohistiocytosis 4. Last evaluated: 2024-12-09. Review status: criteria provided, single submitter. Criteria: Invitae Variant Classification Sherloc (09022015). Collection method: clinical testing. Allele origin: germline.
Comment: This sequence change replaces arginine, which is basic and polar, with tryptophan, which is neutral and slightly polar, at codon 129 of the STX11 protein (p.Arg129Trp). This variant is present in population databases (rs369572255, gnomAD 0.03%). This variant has not been reported in the literature in individuals affected with STX11-related conditions. ClinVar contains an entry for this variant (Variation ID: 2190400). Invitae Evidence Modeling of protein sequence and biophysical properties (such as structural, functional, and spatial information, amino acid conservation, physicochemical variation, residue mobility, and thermodynamic stability) has been performed for this missense variant. However, the output from this modeling did not meet the statistical confidence thresholds required to predict the impact of this variant on STX11 protein function. In summary, the available evidence is currently insufficient to determine the role of this variant in disease. Therefore, it has been classified as a Variant of Uncertain Significance.